The following is an entry in ClinVar:

ClinVar aggregate classification (germline): Uncertain significance. Review status: criteria provided, multiple submitters, no conflicts (2 of 4 stars). 2 submissions from 2 submitters: Uncertain significance (2). Last evaluated 2025-11-13.

Conditions:
Inborn genetic diseases. Identifiers: MedGen C0950123, MeSH D030342.

Allele frequency attached by ClinVar (database versions not stated): gnomAD 0.00004 and 0.00005; gnomAD exomes 0.00002 and 0.00001; TOPMed 0.00003.
gnomAD v4.1: 24 of 1,614,020 alleles (0.0015%); highest among the groups gnomAD compares: Admixed American, 0.012%; no homozygotes.

Submissions (2):

Ambry Genetics
Classification: Uncertain significance for Inborn genetic diseases. Last evaluated: 2025-11-13. Review status: criteria provided, single submitter. Criteria: Ambry Variant Classification Scheme 2023. Collection method: clinical testing. Allele origin: germline.

Labcorp Genetics (formerly Invitae), Labcorp
Classification: Uncertain significance. Last evaluated: 2022-08-22. Review status: criteria provided, single submitter. Criteria: Invitae Variant Classification Sherloc (09022015). Collection method: clinical testing. Allele origin: germline.
Comment: This sequence change replaces serine, which is neutral and polar, with proline, which is neutral and non-polar, at codon 166 of the UNC80 protein (p.Ser166Pro). This variant is present in population databases (no rsID available, gnomAD 0.009%). This variant has not been reported in the literature in individuals affected with UNC80-related conditions. ClinVar contains an entry for this variant (Variation ID: 1476382). Algorithms developed to predict the effect of missense changes on protein structure and function output the following: SIFT: "Not Available"; PolyPhen-2: "Benign"; Align-GVGD: "Not Available". The proline amino acid residue is found in multiple mammalian species, which suggests that this missense change does not adversely affect protein function. In summary, the available evidence is currently insufficient to determine the role of this variant in disease. Therefore, it has been classified as a Variant of Uncertain Significance.

NM_001371986.1(UNC80):c.496T>C (p.Ser166Pro)

Gene: UNC80 (unc-80 subunit of NALCN channel complex; plus strand). Cytogenetic location: 2q34.
Variant type: single nucleotide variant.
Coding change: c.496T>C on transcript NM_001371986.1 (MANE Select); coding-DNA position 496, T replaced by C.
Protein change: p.Ser166Pro; replaces serine 166 with proline.
Molecular consequence: missense variant.
Genome position (GRCh38, 1-based): chr2:209,777,455, T>C. VCF-style: chr2-209777455-T-C. GRCh37 (hg19) VCF-style: chr2-210642179-T-C.
Other names: c.496T>C, p.Ser166Pro (NM_032504.2, NM_182587.4); c.496T>C (NM_032504.1); short protein forms S166P.
Identifiers: ClinVar variation 1476382 (VCV001476382.4), dbSNP rs1003845505, ClinGen allele CA64646292.
Genomic context (GRCh38, chr2:209,777,455, plus strand): 5'-AGTGCTTTCATCCACCAGGTTGAAAACCAGGGTTCTCCAGGGCAGCCTTGCCAAAGCAGC[T>C]CTAATGACGAAGAAGAGAACAACCGAAGAAAGATCTTCCAGAACTCCATGGCTACTGTGG-3'
Protein context (NP_001358915.1, residues 156-176): GSPGQPCQSS[Ser166Pro]NDEEENNRRK